The following is an entry in ClinVar:

ClinVar aggregate classification (germline): Conflicting classifications of pathogenicity. Review status: criteria provided, conflicting classifications (1 of 4 stars). 5 submissions from 5 submitters: Uncertain significance (1); Likely benign (4). Last evaluated 2025-06-01.

Conditions:
Cardiomyopathy (CMYO). Also called: Cardiomyopathies. Identifiers: Orphanet 167848, MedGen C0878544, MONDO:0004994, HP:0001638. Inheritance: Various modes of inheritance.
Dilated cardiomyopathy 1DD (CMD1DD). Identifiers: Orphanet 154, MedGen C2750995, MONDO:0013168, OMIM 613172.

Allele frequency attached by ClinVar (database versions not stated): TOPMed below 0.00001; gnomAD exomes 0.00002.
gnomAD v4.1: 19 of 1,423,468 alleles (0.0013%); highest among the groups gnomAD compares: East Asian, 0.0025%; no homozygotes.

Submissions (5):

Labcorp Genetics (formerly Invitae), Labcorp
Classification: Likely benign for Dilated cardiomyopathy 1DD. Last evaluated: 2025-06-01. Review status: criteria provided, single submitter. Criteria: Invitae Variant Classification Sherloc (09022015). Collection method: clinical testing. Allele origin: germline.

Molecular Diagnostic Laboratory for Inherited Cardiovascular Disease, Montreal Heart Institute
Classification: Likely benign. Last evaluated: 2025-04-09. Review status: criteria provided, single submitter. Criteria: ACMG Guidelines, 2015. Collection method: clinical testing. Allele origin: germline. Affected: no.

CHEO Genetics Diagnostic Laboratory, Children's Hospital of Eastern Ontario
Classification: Uncertain significance for Cardiomyopathy. Last evaluated: 2020-09-18. Review status: criteria provided, single submitter. Criteria: ACMG Guidelines, 2015. Collection method: clinical testing. Allele origin: germline.

ARUP Laboratories, Molecular Genetics and Genomics, ARUP Laboratories
Classification: Likely benign for Dilated cardiomyopathy 1DD. Last evaluated: 2020-01-28. Review status: criteria provided, single submitter. Criteria: ARUP Molecular Germline Variant Investigation Process. Collection method: clinical testing. Allele origin: germline.

GeneDx
Classification: Likely benign. Last evaluated: 2018-01-11. Review status: criteria provided, single submitter. Criteria: GeneDx Variant Classification (06012015). Collection method: clinical testing. Allele origin: germline. Affected: yes.
Comment: This variant is considered likely benign or benign based on one or more of the following criteria: it is a conservative change, it occurs at a poorly conserved position in the protein, it is predicted to be benign by multiple in silico algorithms, and/or has population frequency not consistent with disease.

NM_001134363.3(RBM20):c.1527+9G>A

Gene: RBM20 (RNA binding motif protein 20; plus strand). Cytogenetic location: 10q25.2.
Variant type: single nucleotide variant.
Coding change: c.1527+9G>A on transcript NM_001134363.3 (MANE Select); 9 bases into the intron after coding-DNA position 1527, G replaced by A.
Molecular consequence: intron variant.
Genome position (GRCh38, 1-based): chr10:110,784,898, G>A. VCF-style: chr10-110784898-G-A. GRCh37 (hg19) VCF-style: chr10-112544656-G-A.
Other names: c.1527+9G>A (LRG_382t1, NM_001134363.2).
Identifiers: ClinVar variation 383203 (VCV000383203.19), dbSNP rs1057521554, ClinGen allele CA16605804.